The following is an entry in ClinVar:

NM_001371596.2(MFSD8):c.291G>C (p.Trp97Cys)

Gene: MFSD8 (major facilitator superfamily domain containing 8; minus strand). Cytogenetic location: 4q28.2.
Variant type: single nucleotide variant.
Coding change: c.291G>C on transcript NM_001371596.2 (MANE Select); coding-DNA position 291, G replaced by C.
Protein change: p.Trp97Cys; replaces tryptophan 97 with cysteine.
Molecular consequence: missense variant.
Genome position (GRCh38, 1-based): chr4:127,943,900, C>G on the plus strand (G>C on the coding strand, the complement: MFSD8 is on the minus strand). VCF-style: chr4-127943900-C-G. GRCh37 (hg19) VCF-style: chr4-128865055-C-G.
Other names: p.W97C:TGG>TGC; c.291G>C, p.Trp97Cys (NM_001363520.3, NM_001363521.3, NM_001371591.2 and 5 more transcripts); c.156G>C, p.Trp52Cys (NM_001371590.2, NM_001371595.1, NM_001410765.1); short protein forms W97C, W52C.
Identifiers: ClinVar variation 206169 (VCV000206169.9), dbSNP rs796052749, ClinGen allele CA315998.

ClinVar aggregate classification (germline): Uncertain significance. Review status: criteria provided, multiple submitters, no conflicts (2 of 4 stars). 3 submissions from 3 submitters: Uncertain significance (3). Last evaluated 2025-01-15.

Conditions:
Neuronal ceroid lipofuscinosis 7 (CLN7). Also called: MFSD8-Related Neuronal Ceroid-Lipofuscinosis. Identifiers: Orphanet 168491, Orphanet 228366, MedGen C1838571, MONDO:0012588, OMIM 610951.

Allele frequency attached by ClinVar (database versions not stated): gnomAD 0.00003; TOPMed 0.00001; gnomAD exomes 0.00002.
gnomAD v4.1: 31 of 1,613,972 alleles (0.0019%); highest among the groups gnomAD compares: Non-Finnish European, 0.0025%; no homozygotes.

Submissions (3):

Labcorp Genetics (formerly Invitae), Labcorp
Classification: Uncertain significance for Neuronal ceroid lipofuscinosis 7. Last evaluated: 2025-01-15. Review status: criteria provided, single submitter. Criteria: Invitae Variant Classification Sherloc (09022015). Collection method: clinical testing. Allele origin: germline.
Comment: This sequence change replaces tryptophan, which is neutral and slightly polar, with cysteine, which is neutral and slightly polar, at codon 97 of the MFSD8 protein (p.Trp97Cys). This variant is present in population databases (rs796052749, gnomAD 0.1%). This missense change has been observed in individual(s) with MFSD8-related conditions (PMID: 28794409). ClinVar contains an entry for this variant (Variation ID: 206169). Invitae Evidence Modeling of protein sequence and biophysical properties (such as structural, functional, and spatial information, amino acid conservation, physicochemical variation, residue mobility, and thermodynamic stability) has been performed for this missense variant. However, the output from this modeling did not meet the statistical confidence thresholds required to predict the impact of this variant on MFSD8 protein function. Algorithms developed to predict the effect of sequence changes on RNA splicing suggest that this variant may create or strengthen a splice site. In summary, the available evidence is currently insufficient to determine the role of this variant in disease. Therefore, it has been classified as a Variant of Uncertain Significance.

Duke University Health System Sequencing Clinic, Duke University Health System
Classification: Uncertain significance for Neuronal ceroid lipofuscinosis 7. Last evaluated: 2023-04-20. Review status: criteria provided, single submitter. Criteria: ACMG Guidelines, 2015. Collection method: research. Allele origin: maternal. Affected: yes.

GeneDx
Classification: Uncertain significance. Last evaluated: 2015-12-03. Review status: criteria provided, single submitter. Criteria: GeneDx Variant Classification (06012015). Collection method: clinical testing. Allele origin: germline. Affected: yes.
Comment: p.Trp97Cys (W97C) TGG>TGC: c.291 G>C in exon 5 of the MFSD8 gene (NM_152778.2). The W97C variant has not been published as a mutation, nor has it been reported as a benign polymorphism to our knowledge. It was not observed in approximately 6,500 individuals of European and African American ancestry in the NHLBI Exome Sequencing Project, indicating it is not a common benign variant in these populations. The W97C variant is a non-conservative amino acid substitution, which is likely to impact secondary protein structure as these residues differ in polarity, charge, size and/or other properties. This substitution occurs at a position that is highly across species. In silico analysis predicts this variant is probably damaging to the protein structure/function. However, other missense mutations in nearby residues have not been reported. Therefore, based on the currently available information, it is unclear whether this variant is a pathogenic mutation or a rare benign variant The variant is found in MFSD8 panel(s).

Literature cited by the submitters: PubMed 28794409 (cited by Labcorp Genetics (formerly Invitae), Labcorp and Duke University Health System Sequencing Clinic, Duke University Health System).